The following is an entry in ClinVar:

NM_014915.3(ANKRD26):c.5123A>G (p.Tyr1708Cys)

Gene: ANKRD26 (ankyrin repeat domain containing 26; minus strand). Cytogenetic location: 10p12.1.
Variant type: single nucleotide variant.
Coding change: c.5123A>G on transcript NM_014915.3 (MANE Select); coding-DNA position 5123, A replaced by G.
Protein change: p.Tyr1708Cys; replaces tyrosine 1708 with cysteine.
Molecular consequence: missense variant.
Genome position (GRCh38, 1-based): chr10:27,005,600, T>C on the plus strand (A>G on the coding strand, the complement: ANKRD26 is on the minus strand). VCF-style: chr10-27005600-T-C. GRCh37 (hg19) VCF-style: chr10-27294529-T-C.
Other names: c.5120A>G, p.Tyr1707Cys (NM_001256053.2); short protein forms Y1708C, Y1707C.
Identifiers: ClinVar variation 3912413 (VCV003912413.1).
Genomic context (GRCh38, chr10:27,005,600, plus strand): 5'-AATGAGAAACAAAATGTCACATAAACAGCCCAGTAATAAAATCTTATCTTTCAGATCATA[T>C]AATTTTTCTTTAAAACCTGTACATATTCTCTTGATGCTTTCCAAACTAGATCTTGATTTA-3'
Protein context (NP_055730.2, residues 1698-1710): REYVQVLKKN[Tyr1708Cys]MI

ClinVar aggregate classification (germline): Uncertain significance (1 of 4 stars; one submission).

Conditions:
Inborn genetic diseases. Identifiers: MedGen C0950123, MeSH D030342.

gnomAD v4.1: 24 of 1,610,200 alleles (0.0015%); highest among the groups gnomAD compares: East Asian, 0.0089%; no homozygotes.

Submission:

Ambry Genetics
Classification: Uncertain significance for Inborn genetic diseases. Last evaluated: 2025-03-31. Review status: criteria provided, single submitter. Criteria: Ambry Variant Classification Scheme 2023. Collection method: clinical testing. Allele origin: germline.
Comment: The p.Y1708C variant (also known as c.5123A>G), located in coding exon 34 of the ANKRD26 gene, results from an A to G substitution at nucleotide position 5123. The tyrosine at codon 1708 is replaced by cysteine, an amino acid with highly dissimilar properties. This amino acid position is conserved. In addition, this alteration is predicted to be tolerated by in silico analysis. Based on the available evidence, the clinical significance of this variant remains unclear.